The following is an entry in ClinVar:

ClinVar aggregate classification (germline): Uncertain significance (1 of 4 stars; one submission).

Conditions:
Neuroblastoma, susceptibility to, 3. Also called: ALK-Related Neuroblastic Tumor Susceptibility. Identifiers: Orphanet 635, MedGen C2751681, MONDO:0013083, OMIM 613014.

Submission:

Labcorp Genetics (formerly Invitae), Labcorp
Classification: Uncertain significance for Neuroblastoma, susceptibility to, 3. Last evaluated: 2023-12-08. Review status: criteria provided, single submitter. Criteria: Invitae Variant Classification Sherloc (09022015). Collection method: clinical testing. Allele origin: germline.
Comment: This sequence change replaces glutamine, which is neutral and polar, with glutamic acid, which is acidic and polar, at codon 1177 of the ALK protein (p.Gln1177Glu). This variant is not present in population databases (gnomAD no frequency). This variant has not been reported in the literature in individuals affected with ALK-related conditions. An algorithm developed to predict the effect of missense changes on protein structure and function (PolyPhen-2) suggests that this variant is likely to be tolerated. In summary, the available evidence is currently insufficient to determine the role of this variant in disease. Therefore, it has been classified as a Variant of Uncertain Significance.

NM_004304.5(ALK):c.3529C>G (p.Gln1177Glu)

Gene: ALK (ALK receptor tyrosine kinase; minus strand). Cytogenetic location: 2p23.2.
Variant type: single nucleotide variant.
Coding change: c.3529C>G on transcript NM_004304.5 (MANE Select); coding-DNA position 3529, C replaced by G.
Protein change: p.Gln1177Glu; replaces glutamine 1177 with glutamic acid.
Molecular consequence: missense variant.
Genome position (GRCh38, 1-based): chr2:29,220,822, G>C on the plus strand (C>G on the coding strand, the complement: ALK is on the minus strand). VCF-style: chr2-29220822-G-C. GRCh37 (hg19) VCF-style: chr2-29443688-G-C.
Other names: c.325C>G, p.Gln109Glu (NM_001353765.2); short protein forms Q1177E, Q109E.
Identifiers: ClinVar variation 2701401 (VCV002701401.3), dbSNP rs2148166694, ClinGen allele CA346473172.